The following is an entry in ClinVar:

ClinVar aggregate classification (germline): Uncertain significance (1 of 4 stars; one submission).

Conditions:
Autosomal recessive congenital ichthyosis 4B (ARCI4B). Also called: ICHTHYOSIS CONGENITA, HARLEQUIN FETUS TYPE; Harlequin Fetus; HARLEQUIN ICHTHYOSIS; Ichthyosis, congenital, autosomal recessive 4B (harlequin). Identifiers: Orphanet 457, MedGen C0598226, MONDO:0009443, OMIM 242500.
Autosomal recessive congenital ichthyosis 4A (LI2). Also called: ICHTHYOSIS CONGENITA IIB. Identifiers: Orphanet 313, MedGen C1832550, MONDO:0011026, OMIM 601277.

Submission:

Juno Genomics, Hangzhou Juno Genomics, Inc
Classification: Uncertain significance for Autosomal recessive congenital ichthyosis 4A; Autosomal recessive congenital ichthyosis 4B. Review status: criteria provided, single submitter. Criteria: ACMG Guidelines, 2015. Collection method: clinical testing. Allele origin: germline. Affected: yes.
Comment: Absent from controls (or at extremely low frequency if recessive) in Genome Aggregation Database, Exome Sequencing Project, 1000 Genomes Project, or Exome Aggregation Consortium.;Multiple lines of computational evidence support a deleterious effect on the gene or gene product (conservation, evolutionary, splicing impact, etc).;For recessive disorders, detected in trans with a pathogenic variant.

NM_173076.3(ABCA12):c.2592+2dup

Gene: ABCA12 (ATP binding cassette subfamily A member 12; minus strand). Cytogenetic location: 2q35.
Variant type: Duplication.
Coding change: c.2592+2dup on transcript NM_173076.3 (MANE Select); the canonical splice donor site of the intron after coding-DNA position 2592, one base duplicated (T; older notation c.2592+2dupT).
Molecular consequence: splice donor variant.
Genome position (GRCh38, 1-based): chr2:215,007,725, A duplicated on the plus strand (T on the coding strand, the reverse complement: ABCA12 is on the minus strand). VCF-style (leftmost placement, unchanged base first): chr2-215007724-T-TA. GRCh37 (hg19) VCF-style: chr2-215872448-T-TA.
Other names: c.1638+2dup (NM_015657.4).
Identifiers: ClinVar variation 3382496 (VCV003382496.2).